The following is an entry in ClinVar:

ClinVar aggregate classification (germline): Uncertain significance (1 of 4 stars; one submission).

gnomAD v4.1: 2 of 1,613,102 alleles (0.00012%); highest among the groups gnomAD compares: South Asian, 0.0022%; no homozygotes.

Submission:

Labcorp Genetics (formerly Invitae), Labcorp
Classification: Uncertain significance. Last evaluated: 2026-01-19. Review status: criteria provided, single submitter. Criteria: Invitae Variant Classification Sherloc (09022015). Collection method: clinical testing. Allele origin: germline.
Comment: This sequence change replaces alanine, which is neutral and non-polar, with proline, which is neutral and non-polar, at codon 466 of the CLCN6 protein (p.Ala466Pro). This variant is present in population databases (no rsID available, gnomAD 0.003%). This variant has not been reported in the literature in individuals affected with CLCN6-related conditions. An algorithm developed to predict the effect of missense changes on protein structure and function (PolyPhen-2) suggests that this variant is likely to be disruptive. In summary, the available evidence is currently insufficient to determine the role of this variant in disease. Therefore, it has been classified as a Variant of Uncertain Significance.

NM_001286.5(CLCN6):c.1396G>C (p.Ala466Pro)

Gene: CLCN6 (chloride voltage-gated channel 6; plus strand). Cytogenetic location: 1p36.22.
Variant type: single nucleotide variant.
Coding change: c.1396G>C on transcript NM_001286.5 (MANE Select); coding-DNA position 1396, G replaced by C.
Protein change: p.Ala466Pro; replaces alanine 466 with proline.
Molecular consequence: missense variant. On other transcripts: non-coding transcript variant (1).
Genome position (GRCh38, 1-based): chr1:11,833,900, G>C. VCF-style: chr1-11833900-G-C. GRCh37 (hg19) VCF-style: chr1-11893957-G-C.
Other names: c.1330G>C, p.Ala444Pro (NM_001256959.2); short protein forms A466P, A444P.
Identifiers: ClinVar variation 4727484 (VCV004727484.1).